The following is an entry in ClinVar:

NM_017547.4(FOXRED1):c.675G>A (p.Gln225=)

Gene: FOXRED1 (FAD dependent oxidoreductase domain containing 1; plus strand). Cytogenetic location: 11q24.2.
Variant type: single nucleotide variant.
Coding change: c.675G>A on transcript NM_017547.4 (MANE Select); coding-DNA position 675, G replaced by A.
Protein change: p.Gln225=; no amino-acid change (glutamine 225 retained).
Molecular consequence: synonymous variant. On other transcripts: non-coding transcript variant (2).
Genome position (GRCh38, 1-based): chr11:126,275,370, G>A. VCF-style: chr11-126275370-G-A. GRCh37 (hg19) VCF-style: chr11-126145265-G-A.
Identifiers: ClinVar variation 380193 (VCV000380193.4), dbSNP rs150562772, ClinGen allele CA6354173.
Genomic context (GRCh38, chr11:126,275,370, plus strand): 5'-TCTTTTTCTTATCACAGGGATGGAGGACGAAGGTTGGTTTGACCCCTGGTGTCTGCTCCA[G>A]GGGCTTCGGCGAAAGGTCCAGTCCTTGGGAGTCCTTTTCTGCCAGGGAGAGGTGACACGT-3'
Protein context (NP_060017.1, residues 215-235): EGWFDPWCLL[Gln225=]GLRRKVQSLG

ClinVar aggregate classification (germline): Likely benign. Review status: criteria provided, multiple submitters, no conflicts (2 of 4 stars). 2 submissions from 2 submitters: Likely benign (2). Last evaluated 2023-08-30.

Allele frequency attached by ClinVar (database versions not stated): ExAC 0.00001.

Submissions (2):

Labcorp Genetics (formerly Invitae), Labcorp
Classification: Likely benign. Last evaluated: 2023-08-30. Review status: criteria provided, single submitter. Criteria: Invitae Variant Classification Sherloc (09022015). Collection method: clinical testing. Allele origin: germline.

GeneDx
Classification: Likely benign. Last evaluated: 2016-06-15. Review status: criteria provided, single submitter. Criteria: GeneDx Variant Classification (06012015). Collection method: clinical testing. Allele origin: germline. Affected: yes.
Comment: This variant is considered likely benign or benign based on one or more of the following criteria: it is a conservative change, it occurs at a poorly conserved position in the protein, it is predicted to be benign by multiple in silico algorithms, and/or has population frequency not consistent with disease.